The following is an entry in ClinVar:

ClinVar aggregate classification (germline): Uncertain significance (1 of 4 stars; one submission).

Conditions:
Fanconi anemia (FA). Also called: Fanconi's anemia. Identifiers: Orphanet 84, MedGen C0015625, MeSH D005199, MONDO:0019391.

Allele frequency attached by ClinVar (database versions not stated): gnomAD exomes below 0.00001.
gnomAD v4.1: 2 of 1,613,710 alleles (0.00012%); highest among the groups gnomAD compares: Non-Finnish European, 0.00017%; no homozygotes.

Submission:

Labcorp Genetics (formerly Invitae), Labcorp
Classification: Uncertain significance for Fanconi anemia. Last evaluated: 2022-07-19. Review status: criteria provided, single submitter. Criteria: Invitae Variant Classification Sherloc (09022015). Collection method: clinical testing. Allele origin: germline.
Comment: This variant is not present in population databases (gnomAD no frequency). In summary, the available evidence is currently insufficient to determine the role of this variant in disease. Therefore, it has been classified as a Variant of Uncertain Significance. Advanced modeling of protein sequence and biophysical properties (such as structural, functional, and spatial information, amino acid conservation, physicochemical variation, residue mobility, and thermodynamic stability) performed at Invitae indicates that this missense variant is not expected to disrupt FANCA protein function. This variant has not been reported in the literature in individuals affected with FANCA-related conditions. This sequence change replaces alanine, which is neutral and non-polar, with valine, which is neutral and non-polar, at codon 1443 of the FANCA protein (p.Ala1443Val).

NM_000135.4(FANCA):c.4328C>T (p.Ala1443Val)

Genes: FANCA (FA complementation group A; minus strand), ZNF276 (zinc finger protein 276; plus strand). Cytogenetic location: 16q24.3.
Variant type: single nucleotide variant.
Coding change: c.4328C>T on transcript NM_000135.4 (MANE Select); coding-DNA position 4328, C replaced by T.
Protein change: p.Ala1443Val; replaces alanine 1443 with valine.
Molecular consequence: missense variant. On other transcripts: 3 prime UTR variant (3), non-coding transcript variant (4).
Genome position (GRCh38, 1-based): chr16:89,738,641, G>A on the plus strand (C>T on the coding strand, the complement: FANCA is on the minus strand). VCF-style: chr16-89738641-G-A. GRCh37 (hg19) VCF-style: chr16-89805049-G-A.
Other names: c.*57C>T (NM_001286167.3); c.*395G>A (NM_001113525.2, NM_152287.4); short protein forms A1443V.
Identifiers: ClinVar variation 2082670 (VCV002082670.4), dbSNP rs2151709730, ClinGen allele CA397483028.